The following is an entry in ClinVar:

ClinVar aggregate classification (germline): Uncertain significance. Review status: criteria provided, multiple submitters, no conflicts (2 of 4 stars). 4 submissions from 4 submitters: Uncertain significance (4). Last evaluated 2025-12-01.

Conditions:
Inborn genetic diseases. Identifiers: MedGen C0950123, MeSH D030342.
KBG syndrome (KBGS). Also called: ANKRD11-Related KBG Syndrome. Identifiers: Orphanet 2332, MedGen C0220687, MONDO:0007846, OMIM 148050.
ANKRD11-related disorder. Also called: ANKRD11-related condition.

Allele frequency attached by ClinVar (database versions not stated): gnomAD exomes below 0.00001 and 0.00001; ExAC 0.00001; TOPMed 0.00002; gnomAD 0.00003; ESP Exome Variant Server 0.00008.
gnomAD v4.1: 7 of 1,612,532 alleles (0.00043%); highest among the groups gnomAD compares: African/African-American, 0.0093%; no homozygotes.

Submissions (5):

PreventionGenetics, part of Exact Sciences
Classification: Uncertain significance for ANKRD11-related condition. Last evaluated: 2025-12-01. Review status: criteria provided, single submitter. Criteria: ACMG Guidelines, 2015. Collection method: clinical testing. Allele origin: germline.
Comment: The ANKRD11 c.86A>C variant is predicted to result in the amino acid substitution p.Lys29Thr. To our knowledge, this variant has not been reported in the literature. This variant is reported in 0.0063% of alleles in individuals of African descent in gnomAD. At this time, the clinical significance of this variant is uncertain due to the absence of conclusive functional and genetic evidence.

Ambry Genetics
Classification: Uncertain significance for Inborn genetic diseases. Last evaluated: 2025-03-06. Review status: criteria provided, single submitter. Criteria: Ambry Variant Classification Scheme 2023. Collection method: clinical testing. Allele origin: germline.

Labcorp Genetics (formerly Invitae), Labcorp
Classification: Uncertain significance for KBG syndrome. Last evaluated: 2023-11-17. Review status: criteria provided, single submitter. Criteria: Invitae Variant Classification Sherloc (09022015). Collection method: clinical testing. Allele origin: germline.
Comment: This sequence change replaces lysine, which is basic and polar, with threonine, which is neutral and polar, at codon 29 of the ANKRD11 protein (p.Lys29Thr). This variant is not present in population databases (gnomAD no frequency). This variant has not been reported in the literature in individuals affected with ANKRD11-related conditions. ClinVar contains an entry for this variant (Variation ID: 1204793). An algorithm developed to predict the effect of missense changes on protein structure and function (PolyPhen-2) suggests that this variant is likely to be tolerated. In summary, the available evidence is currently insufficient to determine the role of this variant in disease. Therefore, it has been classified as a Variant of Uncertain Significance.

GeneDx
Classification: Uncertain significance. Last evaluated: 2021-05-25. Review status: criteria provided, single submitter. Criteria: GeneDx Variant Classification Process June 2021. Collection method: clinical testing. Allele origin: germline. Affected: yes.
Comment: Has not been previously published as pathogenic or benign to our knowledge; In silico analysis, which includes protein predictors and evolutionary conservation, supports a deleterious effect; Missense variant in a gene in which most reported pathogenic variants are truncating/loss-of-function

Dr. Peter K. Rogan Lab, Western University
No classification provided (evidence only). Condition: Cervical cancer. Review status: no classification provided. Collection method: in vitro. Allele origin: not applicable. Functional consequence: retained intron. Not counted in ClinVar's aggregate classification.

NM_013275.6(ANKRD11):c.86A>C (p.Lys29Thr)

Gene: ANKRD11 (ankyrin repeat domain 11; minus strand). Cytogenetic location: 16q24.3.
Variant type: single nucleotide variant.
Coding change: c.86A>C on transcript NM_013275.6 (MANE Select); coding-DNA position 86, A replaced by C.
Protein change: p.Lys29Thr; replaces lysine 29 with threonine.
Molecular consequence: missense variant. On other transcripts: non-coding transcript variant (1).
Genome position (GRCh38, 1-based): chr16:89,316,934, T>G on the plus strand (A>C on the coding strand, the complement: ANKRD11 is on the minus strand). VCF-style: chr16-89316934-T-G. GRCh37 (hg19) VCF-style: chr16-89383342-T-G.
Other names: c.86A>C, p.Lys29Thr (NM_001256182.2, NM_001256183.2); c.86A>C (NM_013275.4); short protein forms K29T.
Identifiers: ClinVar variation 1204793 (VCV001204793.9), dbSNP rs368779363, ClinGen allele CA8243282.